The following is an entry in ClinVar:

NM_000368.5(TSC1):c.1216T>C (p.Tyr406His)

Gene: TSC1 (TSC complex subunit 1; minus strand). Cytogenetic location: 9q34.13.
Variant type: single nucleotide variant.
Coding change: c.1216T>C on transcript NM_000368.5 (MANE Select); coding-DNA position 1216, T replaced by C.
Protein change: p.Tyr406His; replaces tyrosine 406 with histidine.
Molecular consequence: missense variant.
Genome position (GRCh38, 1-based): chr9:132,910,618, A>G on the plus strand (T>C on the coding strand, the complement: TSC1 is on the minus strand). VCF-style: chr9-132910618-A-G. GRCh37 (hg19) VCF-style: chr9-135786005-A-G.
Other names: c.1213T>C, p.Tyr405His (NM_001162426.2); c.1063T>C, p.Tyr355His (NM_001162427.2); c.853T>C, p.Tyr285His (NM_001362177.2); short protein forms Y406H, Y405H, Y355H, Y285H.
Identifiers: ClinVar variation 534466 (VCV000534466.9), dbSNP rs1554817128, ClinGen allele CA375366908.

ClinVar aggregate classification (germline): Uncertain significance. Review status: criteria provided, multiple submitters, no conflicts (2 of 4 stars). 2 submissions from 2 submitters: Uncertain significance (2). Last evaluated 2026-08-27.

Conditions:
Hereditary cancer-predisposing syndrome. Also called: Hereditary Cancer Syndrome; Tumor predisposition; Hereditary neoplastic syndrome; Neoplastic Syndromes, Hereditary. Identifiers: Orphanet 140162, MedGen C0027672, MeSH D009386, MONDO:0015356.
Tuberous sclerosis 1 (TSC1). Identifiers: Orphanet 805, MedGen C1854465, MONDO:0008612, OMIM 191100.

Submissions (2):

Ambry Genetics
Classification: Uncertain significance for Hereditary cancer-predisposing syndrome. Last evaluated: 2026-08-27. Review status: criteria provided, single submitter. Criteria: Ambry Variant Classification Scheme 2023. Collection method: clinical testing. Allele origin: germline.
Comment: The p.Y406H variant (also known as c.1216T>C), located in coding exon 10 of the TSC1 gene, results from a T to C substitution at nucleotide position 1216. The tyrosine at codon 406 is replaced by histidine, an amino acid with similar properties. This amino acid position is conserved. In addition, this alteration is predicted to be tolerated by in silico analysis. Based on the available evidence, the clinical significance of this variant remains unclear.

Labcorp Genetics (formerly Invitae), Labcorp
Classification: Uncertain significance for Tuberous sclerosis 1. Last evaluated: 2022-01-27. Review status: criteria provided, single submitter. Criteria: Invitae Variant Classification Sherloc (09022015). Collection method: clinical testing. Allele origin: germline.
Comment: In summary, the available evidence is currently insufficient to determine the role of this variant in disease. Therefore, it has been classified as a Variant of Uncertain Significance. Algorithms developed to predict the effect of missense changes on protein structure and function are either unavailable or do not agree on the potential impact of this missense change (SIFT: "Tolerated"; PolyPhen-2: "Possibly Damaging"; Align-GVGD: "Class C0"). ClinVar contains an entry for this variant (Variation ID: 534466). This variant has not been reported in the literature in individuals affected with TSC1-related conditions. This variant is not present in population databases (gnomAD no frequency). This sequence change replaces tyrosine, which is neutral and polar, with histidine, which is basic and polar, at codon 406 of the TSC1 protein (p.Tyr406His).